The following is an entry in ClinVar:

NM_001267550.2(TTN):c.99668G>A (p.Arg33223His)

Genes: TTN (titin; minus strand), TTN-AS1 (TTN antisense RNA 1; plus strand), LOC126806420 (BRD4-independent group 4 enhancer GRCh37_chr2:179401104-179402303; plus strand). Cytogenetic location: 2q31.2.
Variant type: single nucleotide variant.
Coding change: c.99668G>A on transcript NM_001267550.2 (MANE Select); coding-DNA position 99668, G replaced by A.
Protein change: p.Arg33223His; replaces arginine 33223 with histidine.
Molecular consequence: missense variant. On other transcripts: non-coding transcript variant (1).
Genome position (GRCh38, 1-based): chr2:178,537,539, C>T on the plus strand (G>A on the coding strand, the complement: TTN is on the minus strand). VCF-style: chr2-178537539-C-T. GRCh37 (hg19) VCF-style: chr2-179402266-C-T.
Other names: c.94745G>A, p.Arg31582His (NM_001256850.1); c.91964G>A, p.Arg30655His (NM_133378.4); c.72473G>A, p.Arg24158His (NM_003319.4); c.72848G>A, p.Arg24283His (NM_133432.3); c.73049G>A, p.Arg24350His (NM_133437.4); short protein forms R33223H, R30655H, R31582H, R24350H, R24158H, R24283H.
Identifiers: ClinVar variation 47618 (VCV000047618.8), dbSNP rs369081242, ClinGen allele CA141517.

ClinVar aggregate classification (germline): Conflicting classifications of pathogenicity. Review status: criteria provided, conflicting classifications (1 of 4 stars). 4 submissions from 4 submitters: Uncertain significance (2); Likely benign (2). Last evaluated 2026-09-21.

Conditions:
TTN-related disorder. Also called: TTN-related disorders; TTN-related condition; TTN-related disease.

Allele frequency attached by ClinVar (database versions not stated): ESP Exome Variant Server 0.00008; gnomAD 0.00008; gnomAD exomes 0.00003 and 0.00008; ExAC 0.00007; TOPMed 0.00009.
gnomAD v4.1: 71 of 1,613,652 alleles (0.0044%); highest among the groups gnomAD compares: African/African-American, 0.028%; no homozygotes.

Submissions (4):

Molecular Diagnostic Laboratory for Inherited Cardiovascular Disease, Montreal Heart Institute
Classification: Likely benign. Last evaluated: 2026-09-21. Review status: criteria provided, single submitter. Criteria: ACMG Guidelines, 2015. Collection method: clinical testing. Allele origin: germline. Affected: no.

PreventionGenetics, part of Exact Sciences
Classification: Uncertain significance for TTN-related condition. Last evaluated: 2025-09-03. Review status: criteria provided, single submitter. Criteria: ACMG Guidelines, 2015. Collection method: clinical testing. Allele origin: germline.
Comment: The TTN c.99668G>A variant is predicted to result in the amino acid substitution p.Arg33223His. To our knowledge, this variant has not been reported in the literature. This variant is reported in 0.061% of alleles in individuals of East Asian descent in gnomAD. Although we suspect that this variant may be benign, at this time, the clinical significance of this variant is uncertain due to the absence of conclusive functional and genetic evidence.

GeneDx
Classification: Likely benign. Last evaluated: 2018-08-30. Review status: criteria provided, single submitter. Criteria: GeneDx Variant Classification Process June 2021. Collection method: clinical testing. Allele origin: germline. Affected: yes.

Laboratory for Molecular Medicine, Mass General Brigham Personalized Medicine
Classification: Uncertain significance. Last evaluated: 2012-10-31. Review status: criteria provided, single submitter. Criteria: LMM Criteria. Collection method: clinical testing. Allele origin: germline. Observed: 1 variant allele.
Comment: The Arg30655His variant in TTN has not been reported in the literature nor previ ously identified by our laboratory. This variant has been identified in 1/3738 A frican American chromosomes from a broad population by the NHLBI Exome Sequencin g Project. Computational analyses (biochemica l amino acid properties, conservation, AlignGVGD, PolyPhen2, and SIFT) do not pr ovide strong support for or against an impact to the protein. In summary, additi onal information is needed to fully assess the clinical significance of the Arg3 0655His variant.